The following is an entry in ClinVar:

ClinVar aggregate classification (germline): Likely pathogenic (1 of 4 stars; one submission).

Conditions:
Hereditary cancer-predisposing syndrome. Also called: Neoplastic Syndromes, Hereditary; Tumor predisposition; Hereditary Cancer Syndrome; Hereditary neoplastic syndrome. Identifiers: Orphanet 140162, MedGen C0027672, MeSH D009386, MONDO:0015356.

Submission:

Ambry Genetics
Classification: Likely pathogenic for Hereditary cancer-predisposing syndrome. Last evaluated: 2026-03-17. Review status: criteria provided, single submitter. Criteria: Ambry Variant Classification Scheme 2023. Collection method: clinical testing. Allele origin: germline.
Comment: The p.K853N variant (also known as c.2559G>T), located in coding exon 4 of the MSH6 gene, results from a G to T substitution at nucleotide position 2559. The lysine at codon 853 is replaced by asparagine, an amino acid with similar properties. A different missense alteration (c.2559G>C) resulting in the same amino acid substitution co-segregated with disease in a family that met Amsterdam criteria for Lynch syndrome, and tumor results for several affected family members showed isolated loss of MSH6 expression on immunohistochemistry (IHC) (Ambry internal data). This variant is considered to be rare based on population cohorts in the Genome Aggregation Database (gnomAD). This amino acid position is not well conserved in available vertebrate species. In addition, the in silico prediction for this alteration is inconclusive. Based on the majority of available evidence to date, this variant is likely to be pathogenic.

NM_000179.3(MSH6):c.2559G>T (p.Lys853Asn)

Gene: MSH6 (mutS homolog 6; plus strand). Cytogenetic location: 2p16.3.
Variant type: single nucleotide variant.
Coding change: c.2559G>T on transcript NM_000179.3 (MANE Select); coding-DNA position 2559, G replaced by T.
Protein change: p.Lys853Asn; replaces lysine 853 with asparagine.
Molecular consequence: missense variant.
Genome position (GRCh38, 1-based): chr2:47,800,542, G>T. VCF-style: chr2-47800542-G-T. GRCh37 (hg19) VCF-style: chr2-48027681-G-T.
Other names: c.2169G>T, p.Lys723Asn (NM_001281492.2); c.1653G>T, p.Lys551Asn (NM_001281493.2, NM_001281494.2, NM_001406811.1 and 6 more transcripts); c.2655G>T, p.Lys885Asn (NM_001406795.1, NM_001406802.1); c.2559G>T, p.Lys853Asn (NM_001406796.1, NM_001406798.1, NM_001406800.1 and 2 more transcripts); c.2262G>T, p.Lys754Asn (NM_001406797.1, NM_001406801.1, NM_001406805.1 and 10 more transcripts); c.2034G>T, p.Lys678Asn (NM_001406799.1, NM_001406806.1, NM_001406807.1); c.2481G>T, p.Lys827Asn (NM_001406804.1); c.2565G>T, p.Lys855Asn (NM_001406813.1); and 1 more; short protein forms K678N, K723N, K855N, K754N, K827N, K797N, K551N, K853N.
Identifiers: ClinVar variation 1793048 (VCV001793048.3), dbSNP rs765873566, ClinGen allele CA346754642.